The following is an entry in ClinVar:

ClinVar aggregate classification (germline): Uncertain significance (1 of 4 stars; one submission).

gnomAD v4.1: 2 of 1,613,572 alleles (0.00012%); highest among the groups gnomAD compares: East Asian, 0.0045%; no homozygotes.

Submission:

Labcorp Genetics (formerly Invitae), Labcorp
Classification: Uncertain significance. Last evaluated: 2022-02-14. Review status: criteria provided, single submitter. Criteria: Invitae Variant Classification Sherloc (09022015). Collection method: clinical testing. Allele origin: germline.
Comment: In summary, the available evidence is currently insufficient to determine the role of this variant in disease. Therefore, it has been classified as a Variant of Uncertain Significance. Algorithms developed to predict the effect of missense changes on protein structure and function are either unavailable or do not agree on the potential impact of this missense change (SIFT: "Deleterious"; PolyPhen-2: "Probably Damaging"; Align-GVGD: "Class C0"). This variant has not been reported in the literature in individuals affected with HMCN1-related conditions. This variant is not present in population databases (gnomAD no frequency). This sequence change replaces aspartic acid, which is acidic and polar, with histidine, which is basic and polar, at codon 2779 of the HMCN1 protein (p.Asp2779His).

NM_031935.3(HMCN1):c.8335G>C (p.Asp2779His)

Gene: HMCN1 (hemicentin 1; plus strand). Cytogenetic location: 1q31.1.
Variant type: single nucleotide variant.
Coding change: c.8335G>C on transcript NM_031935.3 (MANE Select); coding-DNA position 8335, G replaced by C.
Protein change: p.Asp2779His; replaces aspartic acid 2779 with histidine.
Molecular consequence: missense variant.
Genome position (GRCh38, 1-based): chr1:186,076,472, G>C. VCF-style: chr1-186076472-G-C. GRCh37 (hg19) VCF-style: chr1-186045604-G-C.
Other names: short protein forms D2779H.
Identifiers: ClinVar variation 1940747 (VCV001940747.5), dbSNP rs765146245, ClinGen allele CA1293092.